The following is an entry in ClinVar:

ClinVar aggregate classification (germline): Uncertain significance (1 of 4 stars; one submission).

Conditions:
Cardiovascular phenotype. Identifiers: MedGen CN230736.

Allele frequency attached by ClinVar (database versions not stated): ExAC 0.00001.
gnomAD v4.1: 2 of 1,601,928 alleles (0.00012%); highest among the groups gnomAD compares: South Asian, 0.0022%; no homozygotes.

Submission:

Ambry Genetics
Classification: Uncertain significance for Cardiovascular phenotype. Last evaluated: 2022-12-05. Review status: criteria provided, single submitter. Criteria: Ambry Variant Classification Scheme 2023. Collection method: clinical testing. Allele origin: germline.
Comment: The p.D4345E variant (also known as c.13035T>A), located in coding exon 90 of the RYR2 gene, results from a T to A substitution at nucleotide position 13035. The aspartic acid at codon 4345 is replaced by glutamic acid, an amino acid with highly similar properties. This amino acid position is not well conserved in available vertebrate species. In addition, this alteration is predicted to be tolerated by in silico analysis. Since supporting evidence is limited at this time, the clinical significance of this alteration remains unclear.

NM_001035.3(RYR2):c.13035T>A (p.Asp4345Glu)

Genes: RYR2 (ryanodine receptor 2; plus strand), LOC126806068 (BRD4-independent group 4 enhancer GRCh37_chr1:237947411-237948610; plus strand). Cytogenetic location: 1q43.
Variant type: single nucleotide variant.
Coding change: c.13035T>A on transcript NM_001035.3 (MANE Select); coding-DNA position 13035, T replaced by A.
Protein change: p.Asp4345Glu; replaces aspartic acid 4345 with glutamic acid.
Molecular consequence: missense variant.
Genome position (GRCh38, 1-based): chr1:237,784,747, T>A. VCF-style: chr1-237784747-T-A. GRCh37 (hg19) VCF-style: chr1-237948047-T-A.
Other names: short protein forms D4345E.
Identifiers: ClinVar variation 2454009 (VCV002454009.2), dbSNP rs746030676, ClinGen allele CA085287.
Genomic context (GRCh38, chr1:237,784,747, plus strand): 5'-CAAAGTTGCAGAACTGTTAGCCAACATGCCAGACCCCACTCAGGATGAGGTTAGAGGAGA[T>A]GGGGAGGAGGGAGAGAGGAAACCCCTGGAAGCCGCCCTGCCCTCCGAGGATCTGACCGAC-3'
Protein context (NP_001026.2, residues 4335-4355): PDPTQDEVRG[Asp4345Glu]GEEGERKPLE